The following is an entry in ClinVar:

NM_139058.3(ARX):c.38G>A (p.Arg13Lys)

Gene: ARX (aristaless related homeobox; minus strand). Cytogenetic location: Xp21.3.
Variant type: single nucleotide variant.
Coding change: c.38G>A on transcript NM_139058.3 (MANE Select); coding-DNA position 38, G replaced by A.
Protein change: p.Arg13Lys; replaces arginine 13 with lysine.
Molecular consequence: missense variant.
Genome position (GRCh38, 1-based): chrX:25,015,700, C>T on the plus strand (G>A on the coding strand, the complement: ARX is on the minus strand). VCF-style: chrX-25015700-C-T. GRCh37 (hg19) VCF-style: chrX-25033817-C-T.
Other names: short protein forms R13K.
Identifiers: ClinVar variation 3750294 (VCV003750294.2).
Genomic context (GRCh38, chrX:25,015,700, plus strand): 5'-AGGATGCTGTCGATGCAGTAGGAGGAGAGCAAAGTTGGAGATTTACTTTTGCACTCGGGC[C>T]TCTCGGAGCAGCCCTCCTCCTGGTACTGATTGCTCATGGCTGGGGCTTTTTCCCAGGGCG-3'
Protein context (NP_620689.1, residues 3-23): NQYQEEGCSE[Arg13Lys]PECKSKSPTL

ClinVar aggregate classification (germline): Uncertain significance (1 of 4 stars; one submission).

Conditions:
Developmental and epileptic encephalopathy, 1 (DEE1). Also called: X-linked infantile spasms; West's syndrome; Tonic spasms with clustering, arrest of psychomotor development and hypsarrhythmia on EEG; X-Linked Infantile Spasm Syndrome; OHTAHARA SYNDROME, X-LINKED; INFANTILE SPASM SYNDROME, X-LINKED 1. Identifiers: MedGen C3463992, MONDO:0010632, OMIM 308350. Disease mechanism: loss of function.
Intellectual disability, X-linked, with or without seizures, ARX-related. Also called: Mental retardation, X-linked 52; MENTAL RETARDATION, X-LINKED 29; MENTAL RETARDATION, X-LINKED 32; MENTAL RETARDATION, X-LINKED 33; MENTAL RETARDATION, X-LINKED 38; MENTAL RETARDATION, X-LINKED 43. Identifiers: Orphanet 777, MedGen C0796244, MONDO:0010317, OMIM 300419.

gnomAD v4.1: 1 of 1,204,253 alleles (0.000083%); highest among the groups gnomAD compares: Middle Eastern, 0.023%; no homozygotes.

Submission:

Labcorp Genetics (formerly Invitae), Labcorp
Classification: Uncertain significance for Developmental and epileptic encephalopathy, 1; Intellectual disability, X-linked, with or without seizures, ARX-related. Last evaluated: 2024-11-15. Review status: criteria provided, single submitter. Criteria: Invitae Variant Classification Sherloc (09022015). Collection method: clinical testing. Allele origin: germline.
Comment: This sequence change replaces arginine, which is basic and polar, with lysine, which is basic and polar, at codon 13 of the ARX protein (p.Arg13Lys). This variant is not present in population databases (gnomAD no frequency). This variant has not been reported in the literature in individuals affected with ARX-related conditions. Invitae Evidence Modeling of protein sequence and biophysical properties (such as structural, functional, and spatial information, amino acid conservation, physicochemical variation, residue mobility, and thermodynamic stability) has been performed for this missense variant. However, the output from this modeling did not meet the statistical confidence thresholds required to predict the impact of this variant on ARX protein function. In summary, the available evidence is currently insufficient to determine the role of this variant in disease. Therefore, it has been classified as a Variant of Uncertain Significance.